The following is an entry in ClinVar:

NM_002234.4(KCNA5):c.570C>T (p.Asn190=)

Gene: KCNA5 (potassium voltage-gated channel subfamily A member 5; plus strand). Cytogenetic location: 12p13.32.
Variant type: single nucleotide variant.
Coding change: c.570C>T on transcript NM_002234.4 (MANE Select); coding-DNA position 570, C replaced by T.
Protein change: p.Asn190=; no amino-acid change (asparagine 190 retained).
Molecular consequence: synonymous variant.
Genome position (GRCh38, 1-based): chr12:5,044,717, C>T. VCF-style: chr12-5044717-C-T. GRCh37 (hg19) VCF-style: chr12-5153883-C-T.
Identifiers: ClinVar variation 469595 (VCV000469595.52), dbSNP rs12720444, ClinGen allele CA6399659.

ClinVar aggregate classification (germline): Conflicting classifications of pathogenicity. Review status: criteria provided, conflicting classifications (1 of 4 stars). 8 submissions from 8 submitters: Uncertain significance (1); Benign (4); Likely benign (2). 1 of the submissions does not count toward it. Last evaluated 2026-01-31.

Conditions:
Atrial fibrillation, familial, 7 (ATFB7). Identifiers: MedGen C2677106, MONDO:0012828, OMIM 612240.
KCNA5-related disorder. Also called: KCNA5-related condition.

Allele frequency attached by ClinVar (database versions not stated): 1000 Genomes Project 0.00060; 1000 Genomes Project 30x 0.00062; TOPMed 0.00323; gnomAD 0.00349 and 0.00368; ExAC 0.00354; gnomAD exomes 0.00360 and 0.00496; ESP Exome Variant Server 0.00454.
gnomAD v4.1: 7,663 of 1,614,142 alleles (0.47%); highest among the groups gnomAD compares: Non-Finnish European, 0.57%; 23 homozygotes.

Submissions (8):

Labcorp Genetics (formerly Invitae), Labcorp
Classification: Benign for Atrial fibrillation, familial, 7. Last evaluated: 2026-01-31. Review status: criteria provided, single submitter. Criteria: Invitae Variant Classification Sherloc (09022015). Collection method: clinical testing. Allele origin: germline.

Blueprint Genetics
Classification: Likely benign. Last evaluated: 2024-11-25. Review status: criteria provided, single submitter. Criteria: ACMG Guidelines, 2015. Collection method: clinical testing. Allele origin: germline.

Women's Health and Genetics/Laboratory Corporation of America, LabCorp
Classification: Benign. Last evaluated: 2023-07-30. Review status: criteria provided, single submitter. Criteria: LabCorp Variant Classification Summary - May 2015. Collection method: clinical testing. Allele origin: germline.

CeGaT Center for Human Genetics Tuebingen
Classification: Likely benign. Last evaluated: 2023-04-01. Review status: criteria provided, single submitter. Criteria: CeGaT Center For Human Genetics Tuebingen Variant Classification Criteria Version 2. Collection method: clinical testing. Allele origin: germline. Affected: yes. Observed: 3 variant alleles.
Comment: KCNA5: BP4, BP7

ARUP Laboratories, Molecular Genetics and Genomics, ARUP Laboratories
Classification: Benign for Atrial fibrillation, familial, 7. Last evaluated: 2020-02-24. Review status: criteria provided, single submitter. Criteria: ARUP Molecular Germline Variant Investigation Process. Collection method: clinical testing. Allele origin: germline.

GeneDx
Classification: Benign. Last evaluated: 2018-10-23. Review status: criteria provided, single submitter. Criteria: GeneDx Variant Classification Process June 2021. Collection method: clinical testing. Allele origin: germline. Affected: yes.

Illumina Laboratory Services, Illumina
Classification: Uncertain significance for Atrial fibrillation, familial, 7. Last evaluated: 2017-04-27. Review status: criteria provided, single submitter. Criteria: ICSL Variant Classification Criteria 13 December 2019. Collection method: clinical testing. Allele origin: germline.
Comment: This variant was observed as part of a predisposition screen in an ostensibly healthy population. A literature search was performed for the gene, cDNA change, and amino acid change (where applicable). Publications were found based on this search. However, the evidence from the literature, in combination with allele frequency data from public databases where available, was not sufficient to rule this variant in or out of causing disease. Therefore, this variant is classified as a variant of unknown significance.

PreventionGenetics, part of Exact Sciences
Classification: Benign for KCNA5-related condition. Last evaluated: 2019-09-17. Review status: no assertion criteria provided. Collection method: clinical testing. Allele origin: germline. Not counted in ClinVar's aggregate classification.
Comment: This variant is classified as benign based on ACMG/AMP sequence variant interpretation guidelines (Richards et al. 2015 PMID: 25741868, with internal and published modifications).

Literature cited by the submitters: PubMed 24068186 (cited by Illumina Laboratory Services, Illumina); PubMed 15735608 (cited by Illumina Laboratory Services, Illumina).